The following is an entry in ClinVar:

NM_001103.4(ACTN2):c.193G>A (p.Asp65Asn)

Gene: ACTN2 (actinin alpha 2; plus strand). Cytogenetic location: 1q43.
Variant type: single nucleotide variant.
Coding change: c.193G>A on transcript NM_001103.4 (MANE Select); coding-DNA position 193, G replaced by A.
Protein change: p.Asp65Asn; replaces aspartic acid 65 with asparagine.
Molecular consequence: missense variant. On other transcripts: 5 prime UTR variant (1).
Genome position (GRCh38, 1-based): chr1:236,717,924, G>A. VCF-style: chr1-236717924-G-A. GRCh37 (hg19) VCF-style: chr1-236881224-G-A.
Other names: c.193G>A, p.Asp65Asn (NM_001278343.2); c.-629G>A (NM_001278344.2); short protein forms D65N.
Identifiers: ClinVar variation 636711 (VCV000636711.6), dbSNP rs781118555, ClinGen allele CA1472729.
Genomic context (GRCh38, chr1:236,717,924, plus strand): 5'-ACTGCCTGGTGTAACTCCCACCTAAGGAAAGCCGGCACCCAGATTGAGAACATCGAGGAA[G>A]ACTTCAGGAATGGCCTTAAGCTCATGCTGCTTTTGGAAGTCATCTCAGGTTGGTGTTATA-3'
Protein context (NP_001094.1, residues 55-75): AGTQIENIEE[Asp65Asn]FRNGLKLMLL

ClinVar aggregate classification (germline): Uncertain significance. Review status: criteria provided, multiple submitters, no conflicts (2 of 4 stars). 3 submissions from 3 submitters: Uncertain significance (3). Last evaluated 2024-09-30.

Conditions:
Primary familial hypertrophic cardiomyopathy (HCM). Identifiers: Orphanet 99739, MedGen C0949658, MeSH D024741, MONDO:0024573. Inheritance: Various modes of inheritance.
Dilated cardiomyopathy 1AA (CMD1AA). Also called: CARDIOMYOPATHY, DILATED, 1AA, WITH OR WITHOUT LEFT VENTRICULAR NONCOMPACTION; CARDIOMYOPATHY, FAMILIAL HYPERTROPHIC, 23, WITH OR WITHOUT LEFT VENTRICULAR NONCOMPACTION; Cardiomyopathy, dilated, 1AA, with or without LVNC. Identifiers: Orphanet 154, MedGen C2677338, MONDO:0012808, OMIM 612158.

Allele frequency attached by ClinVar (database versions not stated): gnomAD exomes below 0.00001 and 0.00001; ExAC 0.00001.
gnomAD v4.1: 6 of 1,614,160 alleles (0.00037%); highest among the groups gnomAD compares: South Asian, 0.0011%; no homozygotes.

Submissions (3):

Labcorp Genetics (formerly Invitae), Labcorp
Classification: Uncertain significance for Primary familial hypertrophic cardiomyopathy; Dilated cardiomyopathy 1AA. Last evaluated: 2024-09-30. Review status: criteria provided, single submitter. Criteria: Invitae Variant Classification Sherloc (09022015). Collection method: clinical testing. Allele origin: germline.
Comment: This sequence change replaces aspartic acid, which is acidic and polar, with asparagine, which is neutral and polar, at codon 65 of the ACTN2 protein (p.Asp65Asn). This variant is present in population databases (rs781118555, gnomAD 0.002%). This variant has not been reported in the literature in individuals affected with ACTN2-related conditions. ClinVar contains an entry for this variant (Variation ID: 636711). Invitae Evidence Modeling of protein sequence and biophysical properties (such as structural, functional, and spatial information, amino acid conservation, physicochemical variation, residue mobility, and thermodynamic stability) indicates that this missense variant is expected to disrupt ACTN2 protein function with a positive predictive value of 80%. In summary, the available evidence is currently insufficient to determine the role of this variant in disease. Therefore, it has been classified as a Variant of Uncertain Significance.

GeneDx
Classification: Uncertain significance. Last evaluated: 2022-07-07. Review status: criteria provided, single submitter. Criteria: GeneDx Variant Classification Process June 2021. Collection method: clinical testing. Allele origin: germline. Affected: yes.
Comment: Not observed at significant frequency in large population cohorts (gnomAD); In silico analysis supports that this missense variant has a deleterious effect on protein structure/function; Has not been previously published as pathogenic or benign to our knowledge

Blueprint Genetics
Classification: Uncertain significance. Last evaluated: 2018-07-15. Review status: criteria provided, single submitter. Criteria: ACMG Guidelines, 2015. Collection method: clinical testing. Allele origin: germline.